The following is an entry in ClinVar:

ClinVar aggregate classification (germline): Uncertain significance (1 of 4 stars; one submission).

Conditions:
BAP1-related tumor predisposition syndrome (TPDS1). Also called: BAP1 tumor predisposition syndrome; Tumor susceptibility linked to germline BAP1 mutations; COMMON Syndrome; TUMOR PREDISPOSITION SYNDROME 1. Identifiers: Orphanet 289539, MedGen C3280492, MONDO:0013692, OMIM 614327.

Submission:

Laboratorio de Genetica e Diagnostico Molecular, Hospital Israelita Albert Einstein
Classification: Uncertain significance for BAP1-related tumor predisposition syndrome. Last evaluated: 2022-04-19. Review status: criteria provided, single submitter. Criteria: ACMG Guidelines, 2015. Collection method: clinical testing. Allele origin: germline. Affected: yes. Observed: 1 variant allele.
Comment: ACMG classification criteria: PM2 moderated

NM_004656.4(BAP1):c.620G>C (p.Arg207Pro)

Gene: BAP1 (BRCA1 associated deubiquitinase 1; minus strand). Cytogenetic location: 3p21.1.
Variant type: single nucleotide variant.
Coding change: c.620G>C on transcript NM_004656.4 (MANE Select); coding-DNA position 620, G replaced by C.
Protein change: p.Arg207Pro; replaces arginine 207 with proline.
Molecular consequence: missense variant.
Genome position (GRCh38, 1-based): chr3:52,406,868, C>G on the plus strand (G>C on the coding strand, the complement: BAP1 is on the minus strand). VCF-style: chr3-52406868-C-G. GRCh37 (hg19) VCF-style: chr3-52440884-C-G.
Other names: c.620G>C, p.Arg207Pro (NM_001410772.1); short protein forms R207P.
Identifiers: ClinVar variation 2431946 (VCV002431946.1), dbSNP rs1277247682, ClinGen allele CA353108987.